The following is an entry in ClinVar:

ClinVar aggregate classification (germline): Uncertain significance (1 of 4 stars; one submission).

Submission:

Labcorp Genetics (formerly Invitae), Labcorp
Classification: Uncertain significance. Last evaluated: 2022-10-24. Review status: criteria provided, single submitter. Criteria: Invitae Variant Classification Sherloc (09022015). Collection method: clinical testing. Allele origin: germline.
Comment: A copy number gain of the genomic region encompassing the full coding sequence of the TMPRSS15 gene has been identified. The boundaries of this event are unknown as they extend beyond the assayed region for this gene and therefore may encompass additional genes. As the precise location of this event is unknown, it may be in tandem or it may be located elsewhere in the genome. This variant has not been reported in the literature in individuals affected with TMPRSS15-related conditions. In summary, the available evidence is currently insufficient to determine the role of this variant in disease. Therefore, it has been classified as a Variant of Uncertain Significance.

NC_000021.8:g.(?_19642286)_(19775939_?)dup

Gene: TMPRSS15 (transmembrane serine protease 15; minus strand). Cytogenetic location: 21q21.1.
Variant type: Duplication.
Identifiers: ClinVar variation 2424537 (VCV002424537.3).